The following is an entry in ClinVar:

NM_004577.4(PSPH):c.276G>A (p.Arg92=)

Gene: PSPH (phosphoserine phosphatase; minus strand). Cytogenetic location: 7p11.2.
Variant type: single nucleotide variant.
Coding change: c.276G>A on transcript NM_004577.4 (MANE Select); coding-DNA position 276, G replaced by A.
Protein change: p.Arg92=; no amino-acid change (arginine 92 retained).
Molecular consequence: synonymous variant.
Genome position (GRCh38, 1-based): chr7:56,017,379, C>T on the plus strand (G>A on the coding strand, the complement: PSPH is on the minus strand). VCF-style: chr7-56017379-C-T. GRCh37 (hg19) VCF-style: chr7-56085072-C-T.
Other names: c.276G>A, p.Arg92= (NM_001370503.1, NM_001370504.1, NM_001370505.1 and 17 more transcripts).
Identifiers: ClinVar variation 1409070 (VCV001409070.5), dbSNP rs2116569669, ClinGen allele CA455184197.

ClinVar aggregate classification (germline): Uncertain significance (1 of 4 stars; one submission).

Conditions:
Deficiency of phosphoserine phosphatase (PSPHD). Also called: Phosphoserine phosphatase deficiency; PSPH deficiency. Identifiers: Orphanet 79350, MedGen C1291463, MONDO:0013531, OMIM 614023.

Submission:

Labcorp Genetics (formerly Invitae), Labcorp
Classification: Uncertain significance for Deficiency of phosphoserine phosphatase. Last evaluated: 2021-09-30. Review status: criteria provided, single submitter. Criteria: Invitae Variant Classification Sherloc (09022015). Collection method: clinical testing. Allele origin: germline.
Comment: In summary, the available evidence is currently insufficient to determine the role of this variant in disease. Therefore, it has been classified as a Variant of Uncertain Significance. This sequence change affects codon 92 of the PSPH mRNA. It is a 'silent' change, meaning that it does not change the encoded amino acid sequence of the PSPH protein. It affects a nucleotide within the consensus splice site of the intron. This variant is not present in population databases (ExAC no frequency). This variant has not been reported in the literature in individuals affected with PSPH-related conditions. Algorithms developed to predict the effect of sequence changes on RNA splicing suggest that this variant is not likely to affect RNA splicing.